The following is an entry in ClinVar:

ClinVar aggregate classification (germline): Benign. Review status: criteria provided, multiple submitters, no conflicts (2 of 4 stars). 2 submissions from 2 submitters: Benign (2). Last evaluated 2018-06-19.

Allele frequency attached by ClinVar (database versions not stated): TOPMed 0.95405; 1000 Genomes Project 30x 0.95425; gnomAD 0.95582 and 0.95878; 1000 Genomes Project 0.95667; gnomAD exomes 0.99526.
gnomAD v4.1: 599,610 of 608,130 alleles (99%); highest among the groups gnomAD compares: East Asian, 100%; 296,095 homozygotes.

Submissions (2):

GeneDx
Classification: Benign. Last evaluated: 2018-06-19. Review status: criteria provided, single submitter. Criteria: GeneDx Variant Classification (06012015). Collection method: clinical testing. Allele origin: germline. Affected: yes.
Comment: This variant is considered likely benign or benign based on one or more of the following criteria: it is a conservative change, it occurs at a poorly conserved position in the protein, it is predicted to be benign by multiple in silico algorithms, and/or has population frequency not consistent with disease.

Breakthrough Genomics
Classification: Benign. Review status: criteria provided, single submitter. Criteria: ACMG Guidelines, 2015. Collection method: not provided. Allele origin: germline. Inheritance: Autosomal recessive inheritance. Affected: yes.

NM_000153.4(GALC):c.1252-115T>C

Gene: GALC (galactosylceramidase; minus strand). Cytogenetic location: 14q31.3.
Variant type: single nucleotide variant.
Coding change: c.1252-115T>C on transcript NM_000153.4 (MANE Select); 115 bases into the intron before coding-DNA position 1252, T replaced by C.
Molecular consequence: intron variant.
Genome position (GRCh38, 1-based): chr14:87,950,046, A>G on the plus strand (T>C on the coding strand, the complement: GALC is on the minus strand). VCF-style: chr14-87950046-A-G. GRCh37 (hg19) VCF-style: chr14-88416390-A-G.
Other names: c.1174-115T>C (NM_001201402.2); c.1183-115T>C (NM_001201401.2).
Identifiers: ClinVar variation 680300 (VCV000680300.2), dbSNP rs440426, ClinGen allele CA264688030.